The following is an entry in ClinVar:

NM_006663.4(PPP1R13L):c.115G>A (p.Val39Met)

Gene: PPP1R13L (protein phosphatase 1 regulatory subunit 13 like; minus strand). Cytogenetic location: 19q13.32.
Variant type: single nucleotide variant.
Coding change: c.115G>A on transcript NM_006663.4 (MANE Select); coding-DNA position 115, G replaced by A.
Protein change: p.Val39Met; replaces valine 39 with methionine.
Molecular consequence: missense variant.
Genome position (GRCh38, 1-based): chr19:45,398,088, C>T on the plus strand (G>A on the coding strand, the complement: PPP1R13L is on the minus strand). VCF-style: chr19-45398088-C-T. GRCh37 (hg19) VCF-style: chr19-45901346-C-T.
Other names: c.115G>A, p.Val39Met (NM_001142502.2); short protein forms V39M.
Identifiers: ClinVar variation 4538858 (VCV004538858.1).

ClinVar aggregate classification (germline): Uncertain significance (1 of 4 stars; one submission).

Submission:

GeneDx
Classification: Uncertain significance. Last evaluated: 2025-06-16. Review status: criteria provided, single submitter. Criteria: GeneDx Variant Classification Process June 2021. Collection method: clinical testing. Allele origin: germline. Affected: yes.
Comment: Not observed at significant frequency in large population cohorts (gnomAD); In silico analysis suggests that this missense variant does not alter protein structure/function; Has not been previously published as pathogenic or benign to our knowledge